The following is an entry in ClinVar:

ClinVar aggregate classification (germline): Uncertain significance. Review status: criteria provided, multiple submitters, no conflicts (2 of 4 stars). 2 submissions from 2 submitters: Uncertain significance (2). Last evaluated 2025-10-14.

Allele frequency attached by ClinVar (database versions not stated): TOPMed 0.00004; ExAC 0.00001; gnomAD 0.00002; ESP Exome Variant Server 0.00008; gnomAD exomes 0.00001.
gnomAD v4.1: 10 of 1,613,258 alleles (0.00062%); highest among the groups gnomAD compares: African/African-American, 0.0027%; no homozygotes.

Submissions (2):

Ambry Genetics
Classification: Uncertain significance. Last evaluated: 2025-10-14. Review status: criteria provided, single submitter. Criteria: Ambry Variant Classification Scheme 2023. Collection method: clinical testing. Allele origin: germline.

Labcorp Genetics (formerly Invitae), Labcorp
Classification: Uncertain significance. Last evaluated: 2024-10-14. Review status: criteria provided, single submitter. Criteria: Invitae Variant Classification Sherloc (09022015). Collection method: clinical testing. Allele origin: germline.
Comment: This sequence change replaces isoleucine, which is neutral and non-polar, with valine, which is neutral and non-polar, at codon 1508 of the CACNA1B protein (p.Ile1508Val). This variant is present in population databases (rs367632885, gnomAD 0.005%). This variant has not been reported in the literature in individuals affected with CACNA1B-related conditions. Invitae Evidence Modeling of protein sequence and biophysical properties (such as structural, functional, and spatial information, amino acid conservation, physicochemical variation, residue mobility, and thermodynamic stability) indicates that this missense variant is not expected to disrupt CACNA1B protein function with a negative predictive value of 80%. In summary, the available evidence is currently insufficient to determine the role of this variant in disease. Therefore, it has been classified as a Variant of Uncertain Significance.

NM_000718.4(CACNA1B):c.4522A>G (p.Ile1508Val)

Gene: CACNA1B (calcium voltage-gated channel subunit alpha1 B; plus strand). Cytogenetic location: 9q34.3.
Variant type: single nucleotide variant.
Coding change: c.4522A>G on transcript NM_000718.4 (MANE Select); coding-DNA position 4522, A replaced by G.
Protein change: p.Ile1508Val; replaces isoleucine 1508 with valine.
Molecular consequence: missense variant.
Genome position (GRCh38, 1-based): chr9:138,059,127, A>G. VCF-style: chr9-138059127-A-G. GRCh37 (hg19) VCF-style: chr9-140953579-A-G.
Other names: c.4522A>G, p.Ile1508Val (NM_001243812.2); c.4522A>G (NM_000718.3); short protein forms I1508V.
Identifiers: ClinVar variation 2893091 (VCV002893091.3), dbSNP rs367632885, ClinGen allele CA5377015.